The following is an entry in ClinVar:

ClinVar aggregate classification (germline): Uncertain significance (1 of 4 stars; one submission).

Submission:

GeneDx
Classification: Uncertain significance. Last evaluated: 2026-06-05. Review status: criteria provided, single submitter. Criteria: GeneDx Variant Classification Process June 2021. Collection method: clinical testing. Allele origin: germline.
Comment: In-frame insertion of 3 amino acid(s) in a non-repeat region; Not observed at significant frequency in large population cohorts (gnomAD); Has not been previously published as pathogenic or benign to our knowledge

NM_003107.3(SOX4):c.956_964dup (p.Pro321_Leu322insArgAspPro)

Genes: SOX4 (SRY-box transcription factor 4; plus strand), LOC129995966 (ATAC-STARR-seq lymphoblastoid silent region 16986; plus strand). Cytogenetic location: 6p22.3.
Variant type: Duplication.
Coding change: c.956_964dup on transcript NM_003107.3 (MANE Select); coding-DNA positions 956 to 964, 9 bases duplicated (GCGACCCCC; older notation c.956_964dupGCGACCCCC).
Protein change: p.Pro321_Leu322insArgAspPro.
Molecular consequence: inframe insertion.
Genome position (GRCh38, 1-based): chr6:21,595,490-21,595,498, GCGACCCCC duplicated. VCF-style (leftmost placement, unchanged base first): chr6-21595489-A-AGCGACCCCC. GRCh37 (hg19) VCF-style: chr6-21595720-A-AGCGACCCCC.
Identifiers: ClinVar variation 4690143 (VCV004690143.2).
Genomic context (GRCh38, chr6:21,595,489, plus strand): 5'-TTCGGCGGCCTGGGCACGTCGTCGTCGCCCGTGGGCGGCGTGGGCGCGGGAGCCGACCCC[A>AGCGACCCCC]GCGACCCCCTGGGCCTGTACGAGGAGGAGGGCGCGGGCTGCTCGCCCGACGCGCCCAGCC-3'